The following is an entry in ClinVar:

ClinVar aggregate classification (germline): Pathogenic (3 of 4 stars; one submission).

Conditions:
Phenylketonuria (PKU). Also called: OLIGOPHRENIA PHENYLPYRUVICA; Phenylketonurias; Phenylketonuria (PKU); FOLLING DISEASE. Identifiers: Orphanet 716, MedGen C0031485, MONDO:0009861, OMIM 261600. Disease mechanism: loss of function.

Submission:

ClinGen PAH Variant Curation Expert Panel
Classification: Pathogenic for Phenylketonuria. Last evaluated: 2020-05-08. Review status: reviewed by expert panel. Criteria: ClinGen PAH ACMG Specifications v1. Collection method: curation. Allele origin: germline. Inheritance: Autosomal recessive inheritance.
Comment: Variant c.253A>T (p.Lys85Ter) in PAH was found in 3 Moroccan patients with Phe levels >600 umol/L (PMID: 19786003) (PP4). This is a nonsense variant in exon 3 out of 13 coding exons, predicted to undergo nonsense mediated mRNA decay, as it is not located in the 3'-most exon or the 3'-most 50 bp of the penultimate exon. The exon is present in biologically-relevant transcripts (PVS1). Three patients were homozygous for p.K85X (PMID: 19786003) (PM3). Parental and familial DNA were sequenced. The variant was absent from controls in gnomAD, PAGE, 100 Genomes or ESP (PM2). In summary, this variant meets criteria to be classified as pathogenic for PAH. PAH-specific ACMG/AMP criteria applied:PVS1, PM3, PP4, PM2.

Literature cited by the submitters: PubMed 19786003.

NM_000277.3(PAH):c.253A>T (p.Lys85Ter)

Gene: PAH (phenylalanine hydroxylase; minus strand). Cytogenetic location: 12q23.2.
Variant type: single nucleotide variant.
Coding change: c.253A>T on transcript NM_000277.3 (MANE Select); coding-DNA position 253, A replaced by T.
Protein change: p.Lys85Ter; replaces lysine 85 with a stop codon.
Molecular consequence: nonsense.
Genome position (GRCh38, 1-based): chr12:102,894,834, T>A on the plus strand (A>T on the coding strand, the complement: PAH is on the minus strand). VCF-style: chr12-102894834-T-A. GRCh37 (hg19) VCF-style: chr12-103288612-T-A.
Other names: c.253A>T, p.Lys85Ter (NM_001354304.2); short protein forms K85*.
Identifiers: ClinVar variation 932263 (VCV000932263.1), dbSNP rs1877430029, ClinGen allele CA16020757.
Genomic context (GRCh38, chr12:102,894,834, plus strand): 5'-TGGCACCAATGTCATGCCTCAAGATCTTGATGATGTTTGTCAGAGCAGGCAGGCTACGTT[T>A]ATCCAAATGGGTGAAAAATTCATACTCATCTTTCTTTAAACGAGAAGGTCTAGATTCAAT-3'